The following is an entry in ClinVar:

ClinVar aggregate classification (germline): Conflicting classifications of pathogenicity. Review status: criteria provided, conflicting classifications (1 of 4 stars). 5 submissions from 5 submitters: Uncertain significance (3); Likely benign (1). 1 of the submissions does not count toward it. Last evaluated 2024-07-09.

Conditions:
Cardiovascular phenotype. Identifiers: MedGen CN230736.
Alstrom syndrome (ALMS). Identifiers: Orphanet 64, MedGen C0268425, MONDO:0008763, OMIM 203800.

Allele frequency attached by ClinVar (database versions not stated): gnomAD exomes 0.00001 and 0.00004; ExAC 0.00004; ESP Exome Variant Server 0.00008; gnomAD 0.00013 and 0.00014; TOPMed 0.00014; 1000 Genomes Project 0.00040; 1000 Genomes Project 30x 0.00047.
gnomAD v4.1: 40 of 1,613,804 alleles (0.0025%); highest among the groups gnomAD compares: African/African-American, 0.051%; no homozygotes.

Submissions (5):

GeneDx
Classification: Uncertain significance. Last evaluated: 2024-07-09. Review status: criteria provided, single submitter. Criteria: GeneDx Variant Classification Process June 2021. Collection method: clinical testing. Allele origin: germline. Affected: yes.
Comment: In silico analysis indicates that this missense variant does not alter protein structure/function; Has not been previously published as pathogenic or benign to our knowledge

Labcorp Genetics (formerly Invitae), Labcorp
Classification: Uncertain significance for Alstrom syndrome. Last evaluated: 2022-10-31. Review status: criteria provided, single submitter. Criteria: Invitae Variant Classification Sherloc (09022015). Collection method: clinical testing. Allele origin: germline.
Comment: This sequence change replaces asparagine, which is neutral and polar, with aspartic acid, which is acidic and polar, at codon 3552 of the ALMS1 protein (p.Asn3552Asp). This variant is present in population databases (rs200992340, gnomAD 0.06%). This variant has not been reported in the literature in individuals affected with ALMS1-related conditions. ClinVar contains an entry for this variant (Variation ID: 554315). Experimental studies and prediction algorithms are not available or were not evaluated, and the functional significance of this variant is currently unknown. In summary, the available evidence is currently insufficient to determine the role of this variant in disease. Therefore, it has been classified as a Variant of Uncertain Significance.

Ambry Genetics
Classification: Likely benign for Cardiovascular phenotype. Last evaluated: 2022-06-08. Review status: criteria provided, single submitter. Criteria: Ambry Variant Classification Scheme 2023. Collection method: clinical testing. Allele origin: germline.

Fulgent Genetics
Classification: Uncertain significance for Alstrom syndrome. Last evaluated: 2022-05-31. Review status: criteria provided, single submitter. Criteria: ACMG Guidelines, 2015. Collection method: clinical testing. Allele origin: unknown.

Counsyl
Classification: Uncertain significance for Alstrom syndrome. Last evaluated: 2017-10-16. Review status: no assertion criteria provided. Collection method: clinical testing. Allele origin: unknown. Not counted in ClinVar's aggregate classification.

NM_001378454.1(ALMS1):c.10651A>G (p.Asn3551Asp)

Gene: ALMS1 (ALMS1 centrosome and basal body associated protein; plus strand). Cytogenetic location: 2p13.1.
Variant type: single nucleotide variant.
Coding change: c.10651A>G on transcript NM_001378454.1 (MANE Select); coding-DNA position 10651, A replaced by G.
Protein change: p.Asn3551Asp; replaces asparagine 3551 with aspartic acid.
Molecular consequence: missense variant.
Genome position (GRCh38, 1-based): chr2:73,572,528, A>G. VCF-style: chr2-73572528-A-G. GRCh37 (hg19) VCF-style: chr2-73799655-A-G.
Other names: c.10654A>G, p.Asn3552Asp (NM_015120.4); short protein forms N3552D, N3551D.
Identifiers: ClinVar variation 554315 (VCV000554315.13), dbSNP rs200992340, ClinGen allele CA1715040.